The following is an entry in ClinVar:

ClinVar aggregate classification (germline): Uncertain significance (1 of 4 stars; one submission).

Conditions:
Heterotopia, periventricular, X-linked dominant (PVNH1). Also called: PERIVENTRICULAR NODULAR HETEROTOPIA 4; HETEROTOPIA, PERIVENTRICULAR, 1; PERIVENTRICULAR NODULAR HETEROTOPIA 1; X-linked periventricular heterotopia. Identifiers: Orphanet 2149, Orphanet 82004, MedGen C1848213, MONDO:0010233, OMIM 300049.
Oto-palato-digital syndrome, type II (OPD2). Also called: Otopalatodigital Syndrome, Type II; Otopalatodigital Syndrome Type 2 (FLNA-OPD2); FACIOPALATOOSSEOUS SYNDROME; OPD II SYNDROME. Identifiers: Orphanet 669, Orphanet 90652, MedGen C1844696, MONDO:0010571, OMIM 304120.
Melnick-Needles syndrome (MNS). Also called: Melnick-Needles Syndrome (FLNA-MNS); MELNICK-NEEDLES OSTEODYSPLASTY; OSTEODYSPLASTY OF MELNICK AND NEEDLES. Identifiers: Orphanet 2484, MedGen C0025237, MONDO:0010650, OMIM 309350.
Frontometaphyseal dysplasia (FMD1). Identifiers: Orphanet 1826, MedGen C0265293, MONDO:0015942.

Allele frequency attached by ClinVar (database versions not stated): gnomAD 0.00001; gnomAD exomes 0.00001; TOPMed 0.00001.
gnomAD v4.1: 7 of 1,209,483 alleles (0.00058%); highest among the groups gnomAD compares: African/African-American, 0.0017%; no homozygotes.

Submission:

Labcorp Genetics (formerly Invitae), Labcorp
Classification: Uncertain significance for Oto-palato-digital syndrome, type II; Heterotopia, periventricular, X-linked dominant; Frontometaphyseal dysplasia; Melnick-Needles syndrome. Last evaluated: 2025-07-30. Review status: criteria provided, single submitter. Criteria: Invitae Variant Classification Sherloc (09022015). Collection method: clinical testing. Allele origin: germline.
Comment: This sequence change replaces serine, which is neutral and polar, with glycine, which is neutral and non-polar, at codon 2607 of the FLNA protein (p.Ser2607Gly). This variant is not present in population databases (gnomAD no frequency). This variant has not been reported in the literature in individuals affected with FLNA-related conditions. ClinVar contains an entry for this variant (Variation ID: 952392). Invitae Evidence Modeling of protein sequence and biophysical properties (such as structural, functional, and spatial information, amino acid conservation, physicochemical variation, residue mobility, and thermodynamic stability) indicates that this missense variant is not expected to disrupt FLNA protein function with a negative predictive value of 95%. In summary, the available evidence is currently insufficient to determine the role of this variant in disease. Therefore, it has been classified as a Variant of Uncertain Significance.

NM_001110556.2(FLNA):c.7843A>G (p.Ser2615Gly)

Genes: FLNA (filamin A; minus strand), LOC107988032 (Xq28 proximal FLNA-EMD recombination region; plus strand). Cytogenetic location: Xq28.
Variant type: single nucleotide variant.
Coding change: c.7843A>G on transcript NM_001110556.2 (MANE Select); coding-DNA position 7843, A replaced by G.
Protein change: p.Ser2615Gly; replaces serine 2615 with glycine.
Molecular consequence: missense variant.
Genome position (GRCh38, 1-based): chrX:154,348,950, T>C on the plus strand (A>G on the coding strand, the complement: FLNA is on the minus strand). VCF-style: chrX-154348950-T-C. GRCh37 (hg19) VCF-style: chrX-153577318-T-C.
Other names: c.7819A>G, p.Ser2607Gly (NM_001456.4); short protein forms S2607G, S2615G.
Identifiers: ClinVar variation 952392 (VCV000952392.10), dbSNP rs929704371, ClinGen allele CA337272560.
Genomic context (GRCh38, chrX:154,348,950, plus strand): 5'-CGTCCCCCCATTTGACCACCAGTGTGTACTCCCCCTTGTCCTTGAGCAGGTAGGACACGC[T>C]GTAGAGCCGGCTGCCCACGTGCTTCACCAGGATCTCCTCGCAGGGGGTCCTTGGGCCATG-3'
Protein context (NP_001104026.1, residues 2605-2625): LVKHVGSRLY[Ser2615Gly]VSYLLKDKGE